The following is an entry in ClinVar:

NM_001005273.3(CHD3):c.5875A>T (p.Ile1959Phe)

Gene: CHD3 (chromodomain helicase DNA binding protein 3; plus strand). Cytogenetic location: 17p13.1.
Variant type: single nucleotide variant.
Coding change: c.5875A>T on transcript NM_001005273.3 (MANE Select); coding-DNA position 5875, A replaced by T.
Protein change: p.Ile1959Phe; replaces isoleucine 1959 with phenylalanine.
Molecular consequence: missense variant.
Genome position (GRCh38, 1-based): chr17:7,910,967, A>T. VCF-style: chr17-7910967-A-T. GRCh37 (hg19) VCF-style: chr17-7814285-A-T.
Other names: c.6052A>T, p.Ile2018Phe (NM_001005271.3); c.6098A>T, p.His2033Leu (NM_001437504.1); c.6040A>T, p.Ile2014Phe (NM_001437507.1); c.5938A>T, p.Ile1980Phe (NM_001437508.1); c.6043A>T, p.Ile2015Phe (NM_001437509.1); c.5773A>T, p.Ile1925Phe (NM_005852.4); short protein forms I2018F, I1959F, I1980F, I2014F, H2033L, I1925F, I2015F.
Identifiers: ClinVar variation 4982820 (VCV004982820.1).

ClinVar aggregate classification (germline): Uncertain significance (1 of 4 stars; one submission).

Conditions:
CHD3-related disorder. Also called: CHD3-related condition.

gnomAD v4.1: 1 of 1,612,554 alleles (0.000062%); highest among the groups gnomAD compares: African/African-American, 0.0013%; no homozygotes.

Submission:

PreventionGenetics, part of Exact Sciences
Classification: Uncertain significance for CHD3-related condition. Last evaluated: 2025-01-29. Review status: criteria provided, single submitter. Criteria: ACMG Guidelines, 2015. Collection method: clinical testing. Allele origin: germline.
Comment: The CHD3 c.6052A>T variant is predicted to result in the amino acid substitution p.Ile2018Phe. To our knowledge, this variant has not been reported in the literature or in a large population database (gnomAD), indicating this variant is rare. At this time, the clinical significance of this variant is uncertain due to the absence of conclusive functional and genetic evidence.